The following is an entry in ClinVar:

ClinVar aggregate classification (germline): Uncertain significance. Review status: criteria provided, multiple submitters, no conflicts (2 of 4 stars). 2 submissions from 2 submitters: Uncertain significance (2). Last evaluated 2024-01-04.

Conditions:
Inborn genetic diseases. Identifiers: MedGen C0950123, MeSH D030342.

Allele frequency attached by ClinVar (database versions not stated): TOPMed 0.00001; ExAC 0.00003; gnomAD exomes 0.00001.
gnomAD v4.1: 12 of 1,610,122 alleles (0.00075%); highest among the groups gnomAD compares: Admixed American, 0.01%; no homozygotes.

Submissions (2):

Ambry Genetics
Classification: Uncertain significance for Inborn genetic diseases. Last evaluated: 2024-01-04. Review status: criteria provided, single submitter. Criteria: Ambry Variant Classification Scheme 2023. Collection method: clinical testing. Allele origin: germline.

Labcorp Genetics (formerly Invitae), Labcorp
Classification: Uncertain significance. Last evaluated: 2023-01-03. Review status: criteria provided, single submitter. Criteria: Invitae Variant Classification Sherloc (09022015). Collection method: clinical testing. Allele origin: germline.
Comment: In summary, the available evidence is currently insufficient to determine the role of this variant in disease. Therefore, it has been classified as a Variant of Uncertain Significance. Algorithms developed to predict the effect of missense changes on protein structure and function output the following: SIFT: "Tolerated"; PolyPhen-2: "Benign"; Align-GVGD: "Class C0". The lysine amino acid residue is found in multiple mammalian species, which suggests that this missense change does not adversely affect protein function. This variant has not been reported in the literature in individuals affected with CFH-related conditions. This variant is present in population databases (rs776421776, gnomAD 0.02%). This sequence change replaces glutamic acid, which is acidic and polar, with lysine, which is basic and polar, at codon 395 of the CFH protein (p.Glu395Lys).

NM_000186.4(CFH):c.1183G>A (p.Glu395Lys)

Gene: CFH (complement factor H; plus strand). Cytogenetic location: 1q31.3.
Variant type: single nucleotide variant.
Coding change: c.1183G>A on transcript NM_000186.4 (MANE Select); coding-DNA position 1183, G replaced by A.
Protein change: p.Glu395Lys; replaces glutamic acid 395 with lysine.
Molecular consequence: missense variant.
Genome position (GRCh38, 1-based): chr1:196,690,086, G>A. VCF-style: chr1-196690086-G-A. GRCh37 (hg19) VCF-style: chr1-196659216-G-A.
Other names: c.1183G>A, p.Glu395Lys (NM_001014975.3); short protein forms E395K.
Identifiers: ClinVar variation 2826078 (VCV002826078.4), dbSNP rs776421776, ClinGen allele CA1305279.